The following is an entry in ClinVar:

NM_001033047.3(NPNT):c.153G>A (p.Gln51=)

Gene: NPNT (nephronectin; plus strand). Cytogenetic location: 4q24.
Variant type: single nucleotide variant.
Coding change: c.153G>A on transcript NM_001033047.3 (MANE Select); coding-DNA position 153, G replaced by A.
Protein change: p.Gln51=; no amino-acid change (glutamine 51 retained).
Molecular consequence: synonymous variant.
Genome position (GRCh38, 1-based): chr4:105,897,982, G>A. VCF-style: chr4-105897982-G-A. GRCh37 (hg19) VCF-style: chr4-106819139-G-A.
Other names: c.153G>A, p.Gln51= (NM_001184690.2, NM_001184691.2, NM_001184692.2 and 1 more transcripts).
Identifiers: ClinVar variation 4979012 (VCV004979012.1).

ClinVar aggregate classification (germline): Likely benign (1 of 4 stars; one submission).

Conditions:
NPNT-related condition.

gnomAD v4.1: 12 of 1,610,914 alleles (0.00074%); highest among the groups gnomAD compares: Non-Finnish European, 0.001%; no homozygotes.

Submission:

PreventionGenetics, part of Exact Sciences
Classification: Likely benign for NPNT-related condition. Last evaluated: 2026-05-03. Review status: criteria provided, single submitter. Criteria: ACMG Guidelines, 2015. Collection method: clinical testing. Allele origin: germline.
Comment: This variant is classified as likely benign based on ACMG/AMP sequence variant interpretation guidelines (Richards et al. 2015 PMID: 25741868, with internal and published modifications).